The following is an entry in ClinVar:

ClinVar aggregate classification (germline): Uncertain significance (1 of 4 stars; one submission).

Conditions:
Autosomal recessive mendelian susceptibility to mycobacterial diseases due to complete RORgamma receptor deficiency. Also called: Immunodeficiency 42. Identifiers: Orphanet 477857, MedGen C5567647, MONDO:0014710, OMIM 616622.

Allele frequency attached by ClinVar (database versions not stated): gnomAD exomes below 0.00001.
gnomAD v4.1: 2 of 1,614,150 alleles (0.00012%); highest among the groups gnomAD compares: Non-Finnish European, 0.00017%; no homozygotes.

Submission:

Labcorp Genetics (formerly Invitae), Labcorp
Classification: Uncertain significance for Autosomal recessive mendelian susceptibility to mycobacterial diseases due to complete RORgamma receptor deficiency. Last evaluated: 2023-12-11. Review status: criteria provided, single submitter. Criteria: Invitae Variant Classification Sherloc (09022015). Collection method: clinical testing. Allele origin: germline.
Comment: This sequence change replaces lysine, which is basic and polar, with asparagine, which is neutral and polar, at codon 469 of the RORC protein (p.Lys469Asn). This variant is not present in population databases (gnomAD no frequency). This variant has not been reported in the literature in individuals affected with RORC-related conditions. ClinVar contains an entry for this variant (Variation ID: 1507227). An algorithm developed to predict the effect of missense changes on protein structure and function (PolyPhen-2) suggests that this variant is likely to be tolerated. In summary, the available evidence is currently insufficient to determine the role of this variant in disease. Therefore, it has been classified as a Variant of Uncertain Significance.

NM_005060.4(RORC):c.1407G>C (p.Lys469Asn)

Gene: RORC (RAR related orphan receptor C; minus strand). Cytogenetic location: 1q21.3.
Variant type: single nucleotide variant.
Coding change: c.1407G>C on transcript NM_005060.4 (MANE Select); coding-DNA position 1407, G replaced by C.
Protein change: p.Lys469Asn; replaces lysine 469 with asparagine.
Molecular consequence: missense variant.
Genome position (GRCh38, 1-based): chr1:151,807,622, C>G on the plus strand (G>C on the coding strand, the complement: RORC is on the minus strand). VCF-style: chr1-151807622-C-G. GRCh37 (hg19) VCF-style: chr1-151780098-C-G.
Other names: c.1344G>C, p.Lys448Asn (NM_001001523.2); short protein forms K469N, K448N.
Identifiers: ClinVar variation 1507227 (VCV001507227.8), dbSNP rs2101649238, ClinGen allele CA342008623.